The following is an entry in ClinVar:

NM_000059.4(BRCA2):c.7715G>A (p.Ser2572Asn)

Gene: BRCA2 (BRCA2 DNA repair associated; plus strand). Cytogenetic location: 13q13.1.
Variant type: single nucleotide variant.
Coding change: c.7715G>A on transcript NM_000059.4 (MANE Select); coding-DNA position 7715, G replaced by A.
Protein change: p.Ser2572Asn; replaces serine 2572 with asparagine.
Molecular consequence: missense variant.
Genome position (GRCh38, 1-based): chr13:32,357,839, G>A. VCF-style: chr13-32357839-G-A. GRCh37 (hg19) VCF-style: chr13-32931976-G-A.
Other names: short protein forms S2572N.
Identifiers: ClinVar variation 993912 (VCV000993912.11), dbSNP rs2072709892, ClinGen allele CA387745382.

ClinVar aggregate classification (germline): Uncertain significance. Review status: criteria provided, multiple submitters, no conflicts (2 of 4 stars). 2 submissions from 2 submitters: Uncertain significance (2). Last evaluated 2023-06-22.

Conditions:
Hereditary breast ovarian cancer syndrome. Also called: Hereditary breast and ovarian cancer; Hereditary breast and ovarian cancer syndrome; Breast and ovarian cancer; BRCA1- and BRCA2-Associated Hereditary Breast and Ovarian Cancer; Hereditary breast and/or ovarian cancer syndrome; Hereditary breast and ovarian cancer syndrome (HBOC). Identifiers: Orphanet 145, MedGen C0677776, MeSH D061325, MONDO:0003582. Disease mechanism: loss of function.

Submissions (2):

Labcorp Genetics (formerly Invitae), Labcorp
Classification: Uncertain significance for Hereditary breast ovarian cancer syndrome. Last evaluated: 2023-06-22. Review status: criteria provided, single submitter. Criteria: Invitae Variant Classification Sherloc (09022015). Collection method: clinical testing. Allele origin: germline.
Comment: This sequence change replaces serine, which is neutral and polar, with asparagine, which is neutral and polar, at codon 2572 of the BRCA2 protein (p.Ser2572Asn). This variant is not present in population databases (gnomAD no frequency). This variant has not been reported in the literature in individuals affected with BRCA2-related conditions. ClinVar contains an entry for this variant (Variation ID: 993912). Advanced modeling of protein sequence and biophysical properties (such as structural, functional, and spatial information, amino acid conservation, physicochemical variation, residue mobility, and thermodynamic stability) performed at Invitae indicates that this missense variant is not expected to disrupt BRCA2 protein function. In summary, the available evidence is currently insufficient to determine the role of this variant in disease. Therefore, it has been classified as a Variant of Uncertain Significance.

ARUP Laboratories, Molecular Genetics and Genomics, ARUP Laboratories
Classification: Uncertain significance. Last evaluated: 2020-06-24. Review status: criteria provided, single submitter. Criteria: ARUP Molecular Germline Variant Investigation Process. Collection method: clinical testing. Allele origin: germline.
Comment: The BRCA2 c.7715G>A; p.Ser2572Asn variant, to our knowledge, is not reported in the medical literature or gene specific databases. This variant is also absent from general population databases (Exome Variant Server, Genome Aggregation Database), indicating it is not a common polymorphism. The serine at codon 2572 is weakly conserved, and computational analyses (SIFT, PolyPhen-2) predict that this variant is tolerated. Due to limited information, the clinical significance of the p.Ser2572Asn variant is uncertain at this time.